The following is an entry in ClinVar:

ClinVar aggregate classification (germline): Uncertain significance. Review status: criteria provided, multiple submitters, no conflicts (2 of 4 stars). 2 submissions from 2 submitters: Uncertain significance (2). Last evaluated 2022-11-01.

Conditions:
RYR1-related disorder. Also called: RYR1-related disorders; RYR1-related condition. Identifiers: MedGen CN239331.

Allele frequency attached by ClinVar (database versions not stated): gnomAD exomes below 0.00001; ExAC 0.00001.
gnomAD v4.1: 6 of 1,612,988 alleles (0.00037%); highest among the groups gnomAD compares: African/African-American, 0.0013%; no homozygotes.

Submissions (2):

Labcorp Genetics (formerly Invitae), Labcorp
Classification: Uncertain significance for RYR1-related disorder. Last evaluated: 2022-11-01. Review status: criteria provided, single submitter. Criteria: Invitae Variant Classification Sherloc (09022015). Collection method: clinical testing. Allele origin: germline.
Comment: This sequence change falls in intron 9 of the RYR1 gene. It does not directly change the encoded amino acid sequence of the RYR1 protein. It affects a nucleotide within the consensus splice site. This variant is present in population databases (rs774892189, gnomAD no frequency). This variant has not been reported in the literature in individuals affected with RYR1-related conditions. ClinVar contains an entry for this variant (Variation ID: 590602). Variants that disrupt the consensus splice site are a relatively common cause of aberrant splicing (PMID: 17576681, 9536098). Algorithms developed to predict the effect of sequence changes on RNA splicing suggest that this variant is not likely to affect RNA splicing. In summary, the available evidence is currently insufficient to determine the role of this variant in disease. Therefore, it has been classified as a Variant of Uncertain Significance.

PreventionGenetics, part of Exact Sciences
Classification: Uncertain significance. Last evaluated: 2015-07-30. Review status: criteria provided, single submitter. Criteria: ACMG Guidelines, 2015. Collection method: clinical testing. Allele origin: germline.

Literature cited by the submitters: PubMed 17576681 (cited by Labcorp Genetics (formerly Invitae), Labcorp); PubMed 9536098 (cited by Labcorp Genetics (formerly Invitae), Labcorp).

NM_000540.3(RYR1):c.800+4G>A

Gene: RYR1 (ryanodine receptor 1; plus strand). Cytogenetic location: 19q13.2.
Variant type: single nucleotide variant.
Coding change: c.800+4G>A on transcript NM_000540.3 (MANE Select); 4 bases into the intron after coding-DNA position 800, G replaced by A.
Molecular consequence: intron variant.
Genome position (GRCh38, 1-based): chr19:38,446,772, G>A. VCF-style: chr19-38446772-G-A. GRCh37 (hg19) VCF-style: chr19-38937412-G-A.
Other names: c.800+4G>A (NM_001042723.2).
Identifiers: ClinVar variation 590602 (VCV000590602.4), dbSNP rs774892189, ClinGen allele CA071247.
Genomic context (GRCh38, chr19:38,446,772, plus strand): 5'-GGGAGCTGTGTGCACTCATGCCCGCTCCCTCTGGAGGCTGGAGCCACTGAGAATCAGGTA[G>A]GGCGGGGAAGATGGGGAGAGACCAGGGAGAGGCTGGGGTCACCTGGCAGGCTGGGAGGAC-3'